The following is an entry in ClinVar:

NM_000199.5(SGSH):c.571G>A (p.Gly191Arg)

Gene: SGSH (N-sulfoglucosamine sulfohydrolase; minus strand). Cytogenetic location: 17q25.3.
Variant type: single nucleotide variant.
Coding change: c.571G>A on transcript NM_000199.5 (MANE Select); coding-DNA position 571, G replaced by A.
Protein change: p.Gly191Arg; replaces glycine 191 with arginine.
Molecular consequence: missense variant. On other transcripts: non-coding transcript variant (1).
Genome position (GRCh38, 1-based): chr17:80,214,264, C>T on the plus strand (G>A on the coding strand, the complement: SGSH is on the minus strand). VCF-style: chr17-80214264-C-T. GRCh37 (hg19) VCF-style: chr17-78188063-C-T.
Other names: c.571G>A, p.Gly191Arg (NM_001352921.3, NM_001352922.2); c.571G>A (NM_000199.4); short protein forms G191R.
Identifiers: ClinVar variation 372781 (VCV000372781.23), dbSNP rs753666460, ClinGen allele CA8817942.

ClinVar aggregate classification (germline): Pathogenic/Likely pathogenic. Review status: criteria provided, multiple submitters, no conflicts (2 of 4 stars). 8 submissions from 8 submitters: Pathogenic (6); Likely pathogenic (1). 1 of the submissions does not count toward it. Last evaluated 2026-02-02.

Conditions:
Mucopolysaccharidosis, MPS-III-A (MPS3A). Also called: MUCOPOLYSACCHARIDOSIS, TYPE IIIA, ATTENUATED; MPS III A; Mucopolysaccharidosis type IIIA (Sanfilippo A); Mucopolysaccharidosis, type IIIA; mucopolysaccharidosis type 3A; MPS IIIA (Sanfilippo Syndrome Type A). Identifiers: Orphanet 581, Orphanet 79269, MedGen C0086647, MONDO:0009655, OMIM 252900.

Allele frequency attached by ClinVar (database versions not stated): ExAC 0.00001; gnomAD 0.00001; TOPMed 0.00001; gnomAD exomes 0.00002 and 0.00004.

Submissions (8):

Labcorp Genetics (formerly Invitae), Labcorp
Classification: Pathogenic for Mucopolysaccharidosis, MPS-III-A. Last evaluated: 2026-02-02. Review status: criteria provided, single submitter. Criteria: Invitae Variant Classification Sherloc (09022015). Collection method: clinical testing. Allele origin: germline.
Comment: This sequence change replaces glycine, which is neutral and non-polar, with arginine, which is basic and polar, at codon 191 of the SGSH protein (p.Gly191Arg). This variant is present in population databases (rs753666460, gnomAD 0.01%). This missense change has been observed in individuals with mucopolysaccharidosis type III (PMID: 15146460, 21061399, 23084433, 34813777). ClinVar contains an entry for this variant (Variation ID: 372781). Invitae Evidence Modeling of protein sequence and biophysical properties (such as structural, functional, and spatial information, amino acid conservation, physicochemical variation, residue mobility, and thermodynamic stability) indicates that this missense variant is expected to disrupt SGSH protein function with a positive predictive value of 95%. Experimental studies have shown that this missense change affects SGSH function (PMID: 15146460). For these reasons, this variant has been classified as Pathogenic.

Natera, Inc.
Classification: Pathogenic for Mucopolysaccharidosis type IIIA. Last evaluated: 2024-10-17. Review status: criteria provided, single submitter. Criteria: Natera Variant Classification Schema (03/2026). Collection method: clinical testing. Allele origin: germline.
Comment: The c.571G>A variant in SGSH is a missense variant predicted to cause substitution of glycine to arginine at amino acid 191. This variant is rare in the general population with a frequency below the threshold expected for the associated phenotype(s). This variant has been observed in one or more individuals affected with the associated recessive disease, as either homozygous or compound heterozygous with a second variant (PMID: 15146460, 21061399). Computational prediction algorithms indicate this variant is likely to affect gene or protein function. Given the available evidence, this variant is classified as Pathogenic.

Intergen Genetics and Rare Diseases Diagnosis Center
Classification: Pathogenic for Mucopolysaccharidosis, MPS-III-A. Last evaluated: 2023-07-21. Review status: criteria provided, single submitter. Criteria: ACMG Guidelines, 2015. Collection method: clinical testing. Allele origin: germline. Inheritance: Autosomal recessive inheritance. Observed: 1 heterozygote.

Neuberg Centre For Genomic Medicine, NCGM
Classification: Pathogenic for Mucopolysaccharidosis, MPS-III-A. Last evaluated: 2023-05-20. Review status: criteria provided, single submitter. Criteria: ACMG Guidelines, 2015. Collection method: clinical testing. Allele origin: germline. Inheritance: Autosomal recessive inheritance. Affected: yes.
Comment: The missense c.571G>A (p.Gly191Arg) variant in the SGSH gene has been observed in individuals with mucopolysaccharidosis type III. Experimental studies have shown that this missense change affects SGSH function (Muschol, Nicole et al.,2004). This variant is reported with the allele frequency (0.001%) in the gnomAD Exomes. It is submitted to ClinVar as Likely Pathogenic/ Pathogenic. The amino acid Glycine at position 191 is changed to a Arginine changing protein sequence and it might alter its composition and physico-chemical properties. The amino acid Glycine in SGSH is predicted as conserved by GERP++ and PhyloP across 100 vertebrates Multiple lines of computational evidence (Polyphen - Damaging, SIFT – Damaging and MutationTaster - Disease causing) predict a damaging effect on protein structure and function for this variant. For these reasons, this variant has been classified as Pathogenic.

GeneDx
Classification: Pathogenic. Last evaluated: 2023-01-28. Review status: criteria provided, single submitter. Criteria: GeneDx Variant Classification Process June 2021. Collection method: clinical testing. Allele origin: germline. Affected: yes.
Comment: Published functional studies demonstrate a damaging effect, including inactive or significantly reduced enzymatic activity (Muschol et al., 2004); Not observed at significant frequency in large population cohorts (gnomAD); In silico analysis supports that this missense variant has a deleterious effect on protein structure/function; This variant is associated with the following publications: (PMID: 24816101, 21061399, 19099774, 25807448, 15146460, 29023963, 34813777, 31069529, 34047372, 34991944)

Fulgent Genetics
Classification: Likely pathogenic for Mucopolysaccharidosis, MPS-III-A. Last evaluated: 2022-05-03. Review status: criteria provided, single submitter. Criteria: ACMG Guidelines, 2015. Collection method: clinical testing. Allele origin: unknown.

Juno Genomics, Hangzhou Juno Genomics, Inc
Classification: Pathogenic for Mucopolysaccharidosis, MPS-III-A. Review status: criteria provided, single submitter. Criteria: ACMG Guidelines, 2015. Collection method: clinical testing. Allele origin: germline.
Comment: Absent from controls (or at extremely low frequency if recessive) in Genome Aggregation Database.;Multiple lines of computational evidence support a deleterious effect on the gene or gene product.;For recessive disorders, detected in trans with a pathogenic variant.;Patient's phenotype or family history is highly specific for a disease with a single genetic etiology.

Counsyl
Classification: Likely pathogenic for Mucopolysaccharidosis, MPS-III-A. Last evaluated: 2018-01-15. Review status: no assertion criteria provided. Collection method: clinical testing. Allele origin: unknown. Not counted in ClinVar's aggregate classification.

Literature cited by the submitters: PubMed 15146460 (cited by 3 submitters); PubMed 21061399 (cited by 3 submitters); PubMed 23084433 (cited by Labcorp Genetics (formerly Invitae), Labcorp and Counsyl); PubMed 34813777 (cited by Labcorp Genetics (formerly Invitae), Labcorp); PubMed 24816101 (cited by Counsyl).